The following is an entry in ClinVar:

NM_017617.5(NOTCH1):c.3643+10G>A

Gene: NOTCH1 (notch receptor 1; minus strand). Cytogenetic location: 9q34.3.
Variant type: single nucleotide variant.
Coding change: c.3643+10G>A on transcript NM_017617.5 (MANE Select); 10 bases into the intron after coding-DNA position 3643, G replaced by A.
Molecular consequence: intron variant.
Genome position (GRCh38, 1-based): chr9:136,507,295, C>T on the plus strand (G>A on the coding strand, the complement: NOTCH1 is on the minus strand). VCF-style: chr9-136507295-C-T. GRCh37 (hg19) VCF-style: chr9-139401747-C-T.
Other names: c.3643+10G>A (LRG_1122t1).
Identifiers: ClinVar variation 511481 (VCV000511481.10), dbSNP rs1159458812, ClinGen allele CA591367436.

ClinVar aggregate classification (germline): Likely benign. Review status: criteria provided, multiple submitters, no conflicts (2 of 4 stars). 4 submissions from 3 submitters: Likely benign (4). Last evaluated 2025-09-29.

Conditions:
Aortic valve disease 1 (AOVD1). Identifiers: MedGen C3887892, MONDO:0024523, OMIM 109730.
Adams-Oliver syndrome 5 (AOS5). Identifiers: Orphanet 974, MedGen C4014970, MONDO:0014459, OMIM 616028.

Allele frequency attached by ClinVar (database versions not stated): gnomAD exomes below 0.00001; TOPMed below 0.00001; gnomAD 0.00001.
gnomAD v4.1: 25 of 1,612,706 alleles (0.0016%); highest among the groups gnomAD compares: Non-Finnish European, 0.0014%; no homozygotes.

Submissions (4):

Labcorp Genetics (formerly Invitae), Labcorp
Classification: Likely benign for Adams-Oliver syndrome 5. Last evaluated: 2025-09-29. Review status: criteria provided, single submitter. Criteria: Invitae Variant Classification Sherloc (09022015). Collection method: clinical testing. Allele origin: germline.

Genome-Nilou Lab
Classification: Likely benign for Adams-Oliver syndrome 5. Last evaluated: 2022-03-15. Review status: criteria provided, single submitter. Criteria: ACMG Guidelines, 2015. Collection method: clinical testing. Allele origin: germline. Affected: no.

Genome-Nilou Lab
Classification: Likely benign for Aortic valve disease 1. Last evaluated: 2022-03-15. Review status: criteria provided, single submitter. Criteria: ACMG Guidelines, 2015. Collection method: clinical testing. Allele origin: germline. Affected: no.

GeneDx
Classification: Likely benign. Last evaluated: 2017-08-16. Review status: criteria provided, single submitter. Criteria: GeneDx Variant Classification (06012015). Collection method: clinical testing. Allele origin: germline. Affected: yes.
Comment: This variant is considered likely benign or benign based on one or more of the following criteria: it is a conservative change, it occurs at a poorly conserved position in the protein, it is predicted to be benign by multiple in silico algorithms, and/or has population frequency not consistent with disease.